The following is an entry in ClinVar:

NM_020549.5(CHAT):c.284C>A (p.Ala95Glu)

Gene: CHAT (choline O-acetyltransferase; plus strand). Cytogenetic location: 10q11.23.
Variant type: single nucleotide variant.
Coding change: c.284C>A on transcript NM_020549.5 (MANE Select); coding-DNA position 284, C replaced by A.
Protein change: p.Ala95Glu; replaces alanine 95 with glutamic acid.
Molecular consequence: missense variant. On other transcripts: 5 prime UTR variant (4), intron variant (2).
Genome position (GRCh38, 1-based): chr10:49,614,473, C>A. VCF-style: chr10-49614473-C-A. GRCh37 (hg19) VCF-style: chr10-50822519-C-A.
Other names: c.-71C>A (NM_001142929.2, NM_020985.4); c.-33C>A (NM_001142933.2); c.-141C>A (NM_001142934.2); c.-68-2029C>A (NM_020984.4); c.-69+1271C>A (NM_020986.4); short protein forms A95E.
Identifiers: ClinVar variation 498640 (VCV000498640.7), dbSNP rs977117524, ClinGen allele CA206623039.

ClinVar aggregate classification (germline): Uncertain significance. Review status: criteria provided, multiple submitters, no conflicts (2 of 4 stars). 2 submissions from 2 submitters: Uncertain significance (2). Last evaluated 2021-12-15.

Conditions:
Familial infantile myasthenia (CMS6). Also called: Congenital myasthenic syndrome type 6; MYASTHENIC SYNDROME, PRESYNAPTIC, CONGENITAL, ASSOCIATED WITH EPISODIC APNEA; MYASTHENIC SYNDROME, CONGENITAL, 6, PRESYNAPTIC. Identifiers: Orphanet 590, MedGen C0393929, MONDO:0009689, OMIM 254210.

Allele frequency attached by ClinVar (database versions not stated): gnomAD exomes 0.00001 and 0.00006; gnomAD 0.00006; TOPMed 0.00007.
gnomAD v4.1: 86 of 1,545,648 alleles (0.0056%); highest among the groups gnomAD compares: Non-Finnish European, 0.0071%; no homozygotes.

Submissions (2):

Labcorp Genetics (formerly Invitae), Labcorp
Classification: Uncertain significance for Familial infantile myasthenia. Last evaluated: 2021-12-15. Review status: criteria provided, single submitter. Criteria: Invitae Variant Classification Sherloc (09022015). Collection method: clinical testing. Allele origin: germline.
Comment: This sequence change replaces alanine, which is neutral and non-polar, with glutamic acid, which is acidic and polar, at codon 95 of the CHAT protein (p.Ala95Glu). The frequency data for this variant in the population databases is considered unreliable, as metrics indicate poor data quality at this position in the gnomAD database. This variant has not been reported in the literature in individuals affected with CHAT-related conditions. ClinVar contains an entry for this variant (Variation ID: 498640). Algorithms developed to predict the effect of missense changes on protein structure and function (SIFT, PolyPhen-2, Align-GVGD) all suggest that this variant is likely to be tolerated. In summary, the available evidence is currently insufficient to determine the role of this variant in disease. Therefore, it has been classified as a Variant of Uncertain Significance.

Eurofins Ntd Llc (ga)
Classification: Uncertain significance. Last evaluated: 2018-06-26. Review status: criteria provided, single submitter. Criteria: EGL ClinVar v180209 classification definitions. Collection method: clinical testing. Allele origin: germline. Observed: 1 variant allele, 1 heterozygote.